The following is an entry in ClinVar:

NM_000535.7(PMS2):c.1588C>G (p.Gln530Glu)

Gene: PMS2 (PMS1 homolog 2, mismatch repair system component; minus strand). Cytogenetic location: 7p22.1.
Variant type: single nucleotide variant.
Coding change: c.1588C>G on transcript NM_000535.7 (MANE Select); coding-DNA position 1588, C replaced by G.
Protein change: p.Gln530Glu; replaces glutamine 530 with glutamic acid.
Molecular consequence: missense variant. On other transcripts: non-coding transcript variant (1).
Genome position (GRCh38, 1-based): chr7:5,987,177, G>C on the plus strand (C>G on the coding strand, the complement: PMS2 is on the minus strand). VCF-style: chr7-5987177-G-C. GRCh37 (hg19) VCF-style: chr7-6026808-G-C.
Other names: c.1183C>G, p.Gln395Glu (NM_001322003.2, NM_001322004.2, NM_001322005.2 and 1 more transcripts); c.1432C>G, p.Gln478Glu (NM_001322006.2); c.1270C>G, p.Gln424Glu (NM_001322007.2, NM_001322008.2); c.1027C>G, p.Gln343Glu (NM_001322010.2); c.655C>G, p.Gln219Glu (NM_001322011.2, NM_001322012.2); c.1015C>G, p.Gln339Glu (NM_001322013.2); c.1588C>G, p.Gln530Glu (NM_001322014.2); c.1279C>G, p.Gln427Glu (NM_001322015.2); short protein forms Q219E, Q339E, Q343E, Q395E, Q424E, Q427E, Q478E, Q530E.
Identifiers: ClinVar variation 1053708 (VCV001053708.9), dbSNP rs751261543, ClinGen allele CA366741537.

ClinVar aggregate classification (germline): Uncertain significance (1 of 4 stars; one submission).

Conditions:
Hereditary nonpolyposis colorectal neoplasms. Identifiers: MedGen C0009405, MeSH D003123.

Submission:

Labcorp Genetics (formerly Invitae), Labcorp
Classification: Uncertain significance for Hereditary nonpolyposis colorectal neoplasms. Last evaluated: 2020-02-11. Review status: criteria provided, single submitter. Criteria: Invitae Variant Classification Sherloc (09022015). Collection method: clinical testing. Allele origin: germline.
Comment: This sequence change replaces glutamine with glutamic acid at codon 530 of the PMS2 protein (p.Gln530Glu). The glutamine residue is weakly conserved and there is a small physicochemical difference between glutamine and glutamic acid. This variant is not present in population databases (ExAC no frequency). This variant has not been reported in the literature in individuals with PMS2-related conditions. Algorithms developed to predict the effect of missense changes on protein structure and function output the following: SIFT: "Tolerated"; PolyPhen-2: "Benign"; Align-GVGD: "Class C0". The glutamic acid amino acid residue is found in multiple mammalian species, suggesting that this missense change does not adversely affect protein function. These predictions have not been confirmed by published functional studies and their clinical significance is uncertain. In summary, the available evidence is currently insufficient to determine the role of this variant in disease. Therefore, it has been classified as a Variant of Uncertain Significance.